The following is an entry in ClinVar:

NM_012210.4(TRIM32):c.1609C>T (p.Leu537=)

Genes: ASTN2 (astrotactin 2; minus strand), TRIM32 (tripartite motif containing 32; plus strand). Cytogenetic location: 9q33.1.
Variant type: single nucleotide variant.
Coding change: c.1609C>T on transcript NM_012210.4 (MANE Select); coding-DNA position 1609, C replaced by T.
Protein change: p.Leu537=; no amino-acid change (leucine 537 retained).
Molecular consequence: synonymous variant. On other transcripts: intron variant (3).
Genome position (GRCh38, 1-based): chr9:116,699,351, C>T. VCF-style: chr9-116699351-C-T. GRCh37 (hg19) VCF-style: chr9-119461630-C-T.
Other names: c.1609C>T, p.Leu537= (NM_001099679.2, NM_001379048.1, NM_001379049.1 and 1 more transcripts); c.2653+26420G>A (NM_014010.5); c.2794+26420G>A (NM_001365069.1); c.2806+26420G>A (NM_001365068.1).
Identifiers: ClinVar variation 699313 (VCV000699313.15), dbSNP rs139275673, ClinGen allele CA5211180.

ClinVar aggregate classification (germline): Benign/Likely benign. Review status: criteria provided, multiple submitters, no conflicts (2 of 4 stars). 4 submissions from 4 submitters: Benign (1); Likely benign (2). 1 of the submissions does not count toward it. Last evaluated 2025-12-19.

Conditions:
TRIM32-related disorder. Also called: TRIM32-related condition.
Bardet-Biedl syndrome 11 (BBS11). Identifiers: Orphanet 110, MedGen C1859569, MONDO:0014439, OMIM 615988.
Sarcotubular myopathy (LGMDR8). Also called: MUSCULAR DYSTROPHY, LIMB-GIRDLE, AUTOSOMAL RECESSIVE 8; Limb-girdle muscular dystrophy, type 2H; Hutterite type of muscular dystrophy; Autosomal recessive limb-girdle muscular dystrophy type 2H. Identifiers: Orphanet 1878, MedGen C0270968, MONDO:0009683, OMIM 254110.
Bardet-Biedl syndrome (BBS). Identifiers: Orphanet 110, MedGen C0752166, MONDO:0015229.

Allele frequency attached by ClinVar (database versions not stated): gnomAD 0.00004 and 0.00007; TOPMed 0.00014; gnomAD exomes 0.00020; ExAC 0.00023; 1000 Genomes Project 0.00040; 1000 Genomes Project 30x 0.00047.
gnomAD v4.1: 77 of 1,614,208 alleles (0.0048%); highest among the groups gnomAD compares: East Asian, 0.17%; no homozygotes.

Submissions (4):

Labcorp Genetics (formerly Invitae), Labcorp
Classification: Benign for Bardet-Biedl syndrome. Last evaluated: 2025-12-19. Review status: criteria provided, single submitter. Criteria: Invitae Variant Classification Sherloc (09022015). Collection method: clinical testing. Allele origin: germline.

Blueprint Genetics
Classification: Likely benign. Last evaluated: 2024-11-01. Review status: criteria provided, single submitter. Criteria: ACMG Guidelines, 2015. Collection method: clinical testing. Allele origin: germline.

Fulgent Genetics
Classification: Likely benign for Sarcotubular myopathy; Bardet-Biedl syndrome 11. Last evaluated: 2022-04-24. Review status: criteria provided, single submitter. Criteria: ACMG Guidelines, 2015. Collection method: clinical testing. Allele origin: unknown.

PreventionGenetics, part of Exact Sciences
Classification: Likely benign for TRIM32-related condition. Last evaluated: 2019-07-17. Review status: no assertion criteria provided. Collection method: clinical testing. Allele origin: germline. Not counted in ClinVar's aggregate classification.
Comment: This variant is classified as likely benign based on ACMG/AMP sequence variant interpretation guidelines (Richards et al. 2015 PMID: 25741868, with internal and published modifications).